The following is an entry in ClinVar:

ClinVar aggregate classification (germline): Pathogenic (1 of 4 stars; one submission).

Conditions:
Recessive dystrophic epidermolysis bullosa (RDEB). Also called: DYSTROPHIC EPIDERMOLYSIS BULLOSA, AUTOSOMAL RECESSIVE; EPIDERMOLYSIS BULLOSA DYSTROPHICA, HALLOPEAU-SIEMENS TYPE; Hallopeau-Siemens Disease; severe generalized recessive dystrophic epidermolysis bullosa; EPIDERMOLYSIS BULLOSA DYSTROPHICA, GENERALIZED SEVERE, AUTOSOMAL RECESSIVE; Epidermolysis Bullosa Distrophica Autosomal Recessive (RDEB). Identifiers: Orphanet 79408, Orphanet 79409, MedGen C0079474, MONDO:0009179, OMIM 226600.

Submission:

Myriad Genetics, Inc.
Classification: Pathogenic for Recessive dystrophic epidermolysis bullosa. Last evaluated: 2024-05-23. Review status: criteria provided, single submitter. Criteria: Myriad Autosomal Dominant, Autosomal Recessive and X-Linked Classification Criteria (2023). Collection method: clinical testing. Allele origin: unknown.
Comment: NM_000094.3(COL7A1):c.7353delT(A2453Pfs*13) is expected to be pathogenic in the context of dystrophic epidermolysis bullosa. This variant is predicted to lead to an abnormal or absent protein product due to the creation of a premature termination codon in COL7A1, a gene where loss-of-function variants are known to be pathogenic. Please note: this variant was assessed in the context of healthy population screening.

NM_000094.4(COL7A1):c.7353del (p.Ala2453fs)

Gene: COL7A1 (collagen type VII alpha 1 chain; minus strand). Cytogenetic location: 3p21.31.
Variant type: Deletion.
Coding change: c.7353del on transcript NM_000094.4 (MANE Select); coding-DNA position 7353, one base deleted (T; older notation c.7353delT).
Protein change: p.Ala2453fs; shifts the reading frame from alanine 2453.
Molecular consequence: frameshift variant.
Genome position (GRCh38, 1-based): chr3:48,570,492, A deleted on the plus strand (T on the coding strand, the reverse complement: COL7A1 is on the minus strand). VCF-style (leftmost placement, unchanged base first): chr3-48570491-CA-C. GRCh37 (hg19) VCF-style: chr3-48607924-CA-C.
Other names: short protein forms A2453fs.
Identifiers: ClinVar variation 5013101 (VCV005013101.1).